The following is an entry in ClinVar:

ClinVar aggregate classification (germline): Uncertain significance (1 of 4 stars; one submission).

Conditions:
Cardiovascular phenotype. Identifiers: MedGen CN230736.

Allele frequency attached by ClinVar (database versions not stated): gnomAD exomes below 0.00001; TOPMed below 0.00001; gnomAD 0.00001.
gnomAD v4.1: 4 of 1,611,912 alleles (0.00025%); highest among the groups gnomAD compares: African/African-American, 0.0027%; no homozygotes.

Submission:

Ambry Genetics
Classification: Uncertain significance for Cardiovascular phenotype. Last evaluated: 2017-04-25. Review status: criteria provided, single submitter. Criteria: Ambry Variant Classification Scheme 2023. Collection method: clinical testing. Allele origin: germline.
Comment: The p.I7781V variant (also known as c.23341A>G), located in coding exon 95 of the TTN gene, results from an A to G substitution at nucleotide position 23341. The isoleucine at codon 7781 is replaced by valine, an amino acid with highly similar properties. This amino acid position is well conserved in available vertebrate species; however, valine is the reference amino acid in other vertebrate species. In addition, this alteration is predicted to be tolerated by in silico analysis. Since supporting evidence is limited at this time, the clinical significance of this alteration remains unclear.

NM_001267550.2(TTN):c.50536A>G (p.Ile16846Val)

Genes: TTN (titin; minus strand), TTN-AS1 (TTN antisense RNA 1; plus strand). Cytogenetic location: 2q31.2.
Variant type: single nucleotide variant.
Coding change: c.50536A>G on transcript NM_001267550.2 (MANE Select); coding-DNA position 50536, A replaced by G.
Protein change: p.Ile16846Val; replaces isoleucine 16846 with valine.
Molecular consequence: missense variant.
Genome position (GRCh38, 1-based): chr2:178,611,773, T>C on the plus strand (A>G on the coding strand, the complement: TTN is on the minus strand). VCF-style: chr2-178611773-T-C. GRCh37 (hg19) VCF-style: chr2-179476500-T-C.
Other names: c.45613A>G, p.Ile15205Val (NM_001256850.1); c.23341A>G, p.Ile7781Val (NM_003319.4); c.42832A>G, p.Ile14278Val (NM_133378.4); c.23716A>G, p.Ile7906Val (NM_133432.3); c.23917A>G, p.Ile7973Val (NM_133437.4); short protein forms I16846V, I7781V, I14278V, I7906V, I15205V, I7973V.
Identifiers: ClinVar variation 518997 (VCV000518997.5), dbSNP rs1432294105, ClinGen allele CA349595503.
Genomic context (GRCh38, chr2:178,611,773, plus strand): 5'-CATCAAGTTCTAGACAATATCTTGTGTATAATCAGCACTACTTACTTGTTGGATCTTCAA[T>C]GGATAGGATTTCTGTGGGTTCACTTGGGTGGCCAACTCCAGCTTCATTTTCAGCCCGAAC-3'
Protein context (NP_001254479.2, residues 16836-16856): HPSEPTEILS[Ile16846Val]EDPTSPPSPP